The following is an entry in ClinVar:

ClinVar aggregate classification (germline): Pathogenic (1 of 4 stars; one submission).

Submission:

Labcorp Genetics (formerly Invitae), Labcorp
Classification: Pathogenic. Last evaluated: 2023-05-01. Review status: criteria provided, single submitter. Criteria: Invitae Variant Classification Sherloc (09022015). Collection method: clinical testing. Allele origin: germline.
Comment: This variant has not been reported in the literature in individuals affected with SLC39A4-related conditions. For these reasons, this variant has been classified as Pathogenic. The frequency data for this variant in the population databases is considered unreliable, as metrics indicate poor data quality at this position in the gnomAD database. This sequence change creates a premature translational stop signal (p.Pro84Argfs*53) in the SLC39A4 gene. It is expected to result in an absent or disrupted protein product. Loss-of-function variants in SLC39A4 are known to be pathogenic (PMID: 12955721).

Literature cited by the submitters: PubMed 12955721.

NM_130849.4(SLC39A4):c.251del (p.Pro84fs)

Gene: SLC39A4 (solute carrier family 39 member 4; minus strand). Cytogenetic location: 8q24.3.
Variant type: Deletion.
Coding change: c.251del on transcript NM_130849.4 (MANE Select); coding-DNA position 251, one base deleted (C; older notation c.251delC).
Protein change: p.Pro84fs; shifts the reading frame from proline 84.
Molecular consequence: frameshift variant. On other transcripts: intron variant (1).
Genome position (GRCh38, 1-based): chr8:144,416,033, G deleted on the plus strand (C on the coding strand, the reverse complement: SLC39A4 is on the minus strand); the first of 5 consecutive G bases (chr8:144,416,033-144,416,037); deleting any one gives the same sequence. VCF-style (leftmost placement, unchanged base first): chr8-144416032-CG-C. GRCh37 (hg19) VCF-style: chr8-145641416-CG-C.
Other names: c.176del, p.Pro59fs (NM_017767.3); c.192+565del (NM_001374839.1); short protein forms P59fs, P84fs.
Identifiers: ClinVar variation 2861193 (VCV002861193.3), dbSNP rs781996962, ClinGen allele CA4941763.